The following is an entry in ClinVar:

NM_014991.6(WDFY3):c.6955C>G (p.Arg2319Gly)

Gene: WDFY3 (WD repeat and FYVE domain containing 3; minus strand). Cytogenetic location: 4q21.23.
Variant type: single nucleotide variant.
Coding change: c.6955C>G on transcript NM_014991.6 (MANE Select); coding-DNA position 6955, C replaced by G.
Protein change: p.Arg2319Gly; replaces arginine 2319 with glycine.
Molecular consequence: missense variant.
Genome position (GRCh38, 1-based): chr4:84,735,081, G>C on the plus strand (C>G on the coding strand, the complement: WDFY3 is on the minus strand). VCF-style: chr4-84735081-G-C. GRCh37 (hg19) VCF-style: chr4-85656234-G-C.
Other names: short protein forms R2319G.
Identifiers: ClinVar variation 2443608 (VCV002443608.1), dbSNP rs1036097438, ClinGen allele CA100707751.

ClinVar aggregate classification (germline): Uncertain significance (1 of 4 stars; one submission).

Submission:

GeneDx
Classification: Uncertain significance. Last evaluated: 2022-09-13. Review status: criteria provided, single submitter. Criteria: GeneDx Variant Classification Process June 2021. Collection method: clinical testing. Allele origin: germline. Affected: yes.
Comment: Not observed at significant frequency in large population cohorts (gnomAD); In silico analysis supports that this missense variant has a deleterious effect on protein structure/function; Has not been previously published as pathogenic or benign to our knowledge